The following is an entry in ClinVar:

ClinVar aggregate classification (germline): Pathogenic (1 of 4 stars; one submission).

Conditions:
Metachromatic leukodystrophy (MLD). Also called: ARSA DEFICIENCY; CEREBROSIDE SULFATASE DEFICIENCY; METACHROMATIC LEUKOENCEPHALOPATHY; SULFATIDE LIPIDOSIS; Cerebral sclerosis diffuse metachromatic form; Arylsulfatase A Deficiency. Identifiers: Orphanet 512, MedGen C0023522, MONDO:0018868, OMIM 250100.

gnomAD v4.1: 4 of 1,611,486 alleles (0.00025%); highest among the groups gnomAD compares: East Asian, 0.0089%; no homozygotes.

Submission:

Labcorp Genetics (formerly Invitae), Labcorp
Classification: Pathogenic for Metachromatic leukodystrophy. Last evaluated: 2025-11-09. Review status: criteria provided, single submitter. Criteria: Invitae Variant Classification Sherloc (09022015). Collection method: clinical testing. Allele origin: germline.
Comment: This sequence change replaces glycine, which is neutral and non-polar, with cysteine, which is neutral and slightly polar, at codon 172 of the ARSA protein (p.Gly172Cys). This variant is present in population databases (rs74315271, gnomAD 0.02%). This missense change has been observed in individual(s) with metachromatic leukodystrophy (PMID: 36324388). In at least one individual the data is consistent with being in trans (on the opposite chromosome) from a pathogenic variant. ClinVar contains an entry for this variant (Variation ID: 2915377). Invitae Evidence Modeling of protein sequence and biophysical properties (such as structural, functional, and spatial information, amino acid conservation, physicochemical variation, residue mobility, and thermodynamic stability) indicates that this missense variant is expected to disrupt ARSA protein function with a positive predictive value of 95%. For these reasons, this variant has been classified as Pathogenic.

Literature cited by the submitters: PubMed 36324388.

NM_000487.6(ARSA):c.514G>T (p.Gly172Cys)

Gene: ARSA (arylsulfatase A; minus strand). Cytogenetic location: 22q13.33.
Variant type: single nucleotide variant.
Coding change: c.514G>T on transcript NM_000487.6 (MANE Select); coding-DNA position 514, G replaced by T.
Protein change: p.Gly172Cys; replaces glycine 172 with cysteine.
Molecular consequence: missense variant.
Genome position (GRCh38, 1-based): chr22:50,627,004, C>A on the plus strand (G>T on the coding strand, the complement: ARSA is on the minus strand). VCF-style: chr22-50627004-C-A. GRCh37 (hg19) VCF-style: chr22-51065432-C-A.
Other names: c.514G>T, p.Gly172Cys (NM_001085425.3, NM_001085426.3, NM_001085427.3); c.256G>T, p.Gly86Cys (NM_001085428.3, NM_001362782.2); short protein forms G172C, G86C.
Identifiers: ClinVar variation 2915377 (VCV002915377.5), dbSNP rs74315271, ClinGen allele CA10324988.